The following is an entry in ClinVar:

ClinVar aggregate classification (germline): Conflicting classifications of pathogenicity. Review status: criteria provided, conflicting classifications (1 of 4 stars). 6 submissions from 6 submitters: Uncertain significance (5); Likely benign (1). Last evaluated 2026-04-06.

Conditions:
Hypertrophic cardiomyopathy 26. Also called: Cardiomyopathy, familial hypertrophic, 26. Identifiers: Orphanet 75249, MedGen C4310749, MONDO:0014883, OMIM 617047.
Distal myopathy with posterior leg and anterior hand involvement. Also called: WILLIAMS DISTAL MYOPATHY. Identifiers: Orphanet 63273, MedGen C3279722, MONDO:0013550, OMIM 614065.
Myofibrillar myopathy 5. Also called: Filaminopathy (type); FILAMINOPATHY, AUTOSOMAL DOMINANT. Identifiers: Orphanet 171445, MedGen C1836050, MONDO:0012289, OMIM 609524.
FLNC-related disorder. Also called: FLNC-related condition; FLNC-related disorders.
Cardiovascular phenotype. Identifiers: MedGen CN230736.

Allele frequency attached by ClinVar (database versions not stated): ExAC 0.00001; gnomAD exomes 0.00002; gnomAD 0.00013 and 0.00014; TOPMed 0.00014.
gnomAD v4.1: 33 of 1,613,726 alleles (0.002%); highest among the groups gnomAD compares: African/African-American, 0.037%; no homozygotes.

Submissions (6):

PreventionGenetics, part of Exact Sciences
Classification: Uncertain significance for FLNC-related condition. Last evaluated: 2026-04-06. Review status: criteria provided, single submitter. Criteria: ACMG Guidelines, 2015. Collection method: clinical testing. Allele origin: germline.
Comment: The FLNC c.4367G>C variant is predicted to result in the amino acid substitution p.Gly1456Ala. To our knowledge, this variant has not been reported in the literature. This variant is reported in 0.029% of alleles in individuals of African descent in gnomAD. Although we suspect that this variant may be benign, at this time, the clinical significance of this variant is uncertain due to the absence of conclusive functional and genetic evidence.

Labcorp Genetics (formerly Invitae), Labcorp
Classification: Likely benign for Distal myopathy with posterior leg and anterior hand involvement; Myofibrillar myopathy 5; Hypertrophic cardiomyopathy 26. Last evaluated: 2026-01-27. Review status: criteria provided, single submitter. Criteria: Invitae Variant Classification Sherloc (09022015). Collection method: clinical testing. Allele origin: germline.

GeneDx
Classification: Uncertain significance. Last evaluated: 2024-12-18. Review status: criteria provided, single submitter. Criteria: GeneDx Variant Classification Process June 2021. Collection method: clinical testing. Allele origin: germline. Affected: yes.
Comment: In silico analysis supports that this missense variant has a deleterious effect on protein structure/function; Has not been previously published as pathogenic or benign to our knowledge

Ambry Genetics
Classification: Uncertain significance for Cardiovascular phenotype. Last evaluated: 2024-08-27. Review status: criteria provided, single submitter. Criteria: Ambry Variant Classification Scheme 2023. Collection method: clinical testing. Allele origin: germline.
Comment: The p.G1456A variant (also known as c.4367G>C), located in coding exon 25 of the FLNC gene, results from a G to C substitution at nucleotide position 4367. The glycine at codon 1456 is replaced by alanine, an amino acid with similar properties. This amino acid position is well conserved in available vertebrate species. In addition, this alteration is predicted to be tolerated by in silico analysis. Based on the available evidence, the clinical significance of this variant remains unclear.

Fulgent Genetics
Classification: Uncertain significance for Myofibrillar myopathy 5; Distal myopathy with posterior leg and anterior hand involvement; Hypertrophic cardiomyopathy 26. Last evaluated: 2022-02-09. Review status: criteria provided, single submitter. Criteria: ACMG Guidelines, 2015. Collection method: clinical testing. Allele origin: unknown.

Revvity Omics, Revvity
Classification: Uncertain significance. Last evaluated: 2021-06-08. Review status: criteria provided, single submitter. Criteria: ACMG Guidelines, 2015. Collection method: clinical testing. Allele origin: germline.

NM_001458.5(FLNC):c.4367G>C (p.Gly1456Ala)

Gene: FLNC (filamin C; plus strand). Cytogenetic location: 7q32.1.
Variant type: single nucleotide variant.
Coding change: c.4367G>C on transcript NM_001458.5 (MANE Select); coding-DNA position 4367, G replaced by C.
Protein change: p.Gly1456Ala; replaces glycine 1456 with alanine.
Molecular consequence: missense variant.
Genome position (GRCh38, 1-based): chr7:128,847,775, G>C. VCF-style: chr7-128847775-G-C. GRCh37 (hg19) VCF-style: chr7-128487829-G-C.
Other names: c.4367G>C, p.Gly1456Ala (NM_001127487.2); short protein forms G1456A.
Identifiers: ClinVar variation 580605 (VCV000580605.19), dbSNP rs775049569, ClinGen allele CA4475321.
Genomic context (GRCh38, chr7:128,847,775, plus strand): 5'-CAGTGAAGGATGTGGTGGACCCTGGGAAGGTGAAGTGCTCAGGGCCAGGGCTGGGGGCTG[G>C]TGTCAGGGCCCGGGTTCCTCAGACCTTCACAGTGGATTGCAGTCAAGCTGGCCGGGCGCC-3'
Protein context (NP_001449.3, residues 1446-1466): VKCSGPGLGA[Gly1456Ala]VRARVPQTFT